The following is an entry in ClinVar:

ClinVar aggregate classification (germline): Uncertain significance (1 of 4 stars; one submission).

Allele frequency attached by ClinVar (database versions not stated): gnomAD exomes below 0.00001.

Submission:

Labcorp Genetics (formerly Invitae), Labcorp
Classification: Uncertain significance. Last evaluated: 2022-05-06. Review status: criteria provided, single submitter. Criteria: Invitae Variant Classification Sherloc (09022015). Collection method: clinical testing. Allele origin: germline.
Comment: In summary, the available evidence is currently insufficient to determine the role of this variant in disease. Therefore, it has been classified as a Variant of Uncertain Significance. Algorithms developed to predict the effect of missense changes on protein structure and function are either unavailable or do not agree on the potential impact of this missense change (SIFT: "Deleterious"; PolyPhen-2: "Possibly Damaging"; Align-GVGD: "Class C0"). This variant has not been reported in the literature in individuals affected with FLVCR1-related conditions. This variant is not present in population databases (gnomAD no frequency). This sequence change replaces leucine, which is neutral and non-polar, with proline, which is neutral and non-polar, at codon 116 of the FLVCR1 protein (p.Leu116Pro).

NM_014053.4(FLVCR1):c.347T>C (p.Leu116Pro)

Gene: FLVCR1 (FLVCR choline and heme transporter 1; plus strand). Cytogenetic location: 1q32.3.
Variant type: single nucleotide variant.
Coding change: c.347T>C on transcript NM_014053.4 (MANE Select); coding-DNA position 347, T replaced by C.
Protein change: p.Leu116Pro; replaces leucine 116 with proline.
Molecular consequence: missense variant.
Genome position (GRCh38, 1-based): chr1:212,858,799, T>C. VCF-style: chr1-212858799-T-C. GRCh37 (hg19) VCF-style: chr1-213032141-T-C.
Other names: short protein forms L116P.
Identifiers: ClinVar variation 1352199 (VCV001352199.8), dbSNP rs2102526850, ClinGen allele CA344795853.
Genomic context (GRCh38, chr1:212,858,799, plus strand): 5'-GCCCGCTGCCCCTTACGGCGCTCTCCCCGCGGCGCTTCGTGGTGCTCCTGATCTTCAGCC[T>C]GTACTCGCTGGTCAACGCCTTTCAGTGGATCCAGTACAGCATCATTAGCAACGTCTTCGA-3'
Protein context (NP_054772.1, residues 106-126): RRFVVLLIFS[Leu116Pro]YSLVNAFQWI